The following is an entry in ClinVar:

ClinVar aggregate classification (germline): Uncertain significance (1 of 4 stars; one submission).

Conditions:
DICER1-related tumor predisposition. Also called: DICER1-related pleuropulmonary blastoma cancer predisposition syndrome; DICER1 syndrome. Identifiers: Orphanet 284343, MedGen C3839822, MONDO:0100216.

Submission:

Labcorp Genetics (formerly Invitae), Labcorp
Classification: Uncertain significance for DICER1-related tumor predisposition. Last evaluated: 2018-11-21. Review status: criteria provided, single submitter. Criteria: Invitae Variant Classification Sherloc (09022015). Collection method: clinical testing. Allele origin: germline.
Comment: In summary, the available evidence is currently insufficient to determine the role of this variant in disease. Therefore, it has been classified as a Variant of Uncertain Significance. Algorithms developed to predict the effect of missense changes on protein structure and function (SIFT, PolyPhen-2, Align-GVGD) all suggest that this variant is likely to be tolerated, but these predictions have not been confirmed by published functional studies and their clinical significance is uncertain. This variant has not been reported in the literature in individuals with DICER1-related disease. This variant is not present in population databases (ExAC no frequency). This sequence change replaces arginine with glycine at codon 758 of the DICER1 protein (p.Arg758Gly). The arginine residue is moderately conserved and there is a moderate physicochemical difference between arginine and glycine.

NM_177438.3(DICER1):c.2272A>G (p.Arg758Gly)

Gene: DICER1 (dicer 1, ribonuclease III; minus strand). Cytogenetic location: 14q32.13.
Variant type: single nucleotide variant.
Coding change: c.2272A>G on transcript NM_177438.3 (MANE Select); coding-DNA position 2272, A replaced by G.
Protein change: p.Arg758Gly; replaces arginine 758 with glycine.
Molecular consequence: missense variant.
Genome position (GRCh38, 1-based): chr14:95,108,488, T>C on the plus strand (A>G on the coding strand, the complement: DICER1 is on the minus strand). VCF-style: chr14-95108488-T-C. GRCh37 (hg19) VCF-style: chr14-95574825-T-C.
Other names: c.2272A>G, p.Arg758Gly (NM_001195573.1, NM_001271282.3, NM_001291628.2 and 1 more transcripts); short protein forms R758G.
Identifiers: ClinVar variation 650443 (VCV000650443.10), dbSNP rs1595382590, ClinGen allele CA390882409.
Genomic context (GRCh38, chr14:95,108,488, plus strand): 5'-TTAAAACCATTCCTATCACATACAGGTAACAGGGCTGATCAGGTCTGGGATAACTATCCC[T>C]CAAACACTCTGGAATCTAGAGTTGGAAAGGAAAATTAAGCGTCATGCTCAAGCATATTAG-3'
Protein context (NP_803187.1, residues 748-768): CYPKAIPECL[Arg758Gly]DSYPRPDQPC